The following is an entry in ClinVar:

NM_000548.5(TSC2):c.4620C>T (p.Tyr1540=)

Gene: TSC2 (TSC complex subunit 2; plus strand). Cytogenetic location: 16p13.3.
Variant type: single nucleotide variant.
Coding change: c.4620C>T on transcript NM_000548.5 (MANE Select); coding-DNA position 4620, C replaced by T.
Protein change: p.Tyr1540=; no amino-acid change (tyrosine 1540 retained).
Molecular consequence: synonymous variant.
Genome position (GRCh38, 1-based): chr16:2,085,280, C>T. VCF-style: chr16-2085280-C-T. GRCh37 (hg19) VCF-style: chr16-2135281-C-T.
Other names: c.4419C>T, p.Tyr1473= (NM_001077183.3); c.4551C>T, p.Tyr1517= (NM_001114382.3); c.4311C>T, p.Tyr1437= (NM_001318827.2); c.4275C>T, p.Tyr1425= (NM_001318829.2); c.3888C>T, p.Tyr1296= (NM_001318831.2); c.4452C>T, p.Tyr1484= (NM_001318832.2); c.4422C>T, p.Tyr1474= (NM_001363528.2); c.4488C>T, p.Tyr1496= (NM_001370404.1); and 2 more.
Identifiers: ClinVar variation 413749 (VCV000413749.43), dbSNP rs45455897, ClinGen allele CA051964.

ClinVar aggregate classification (germline): Benign/Likely benign. Review status: criteria provided, multiple submitters, no conflicts (2 of 4 stars). 11 submissions from 11 submitters: Benign (4); Likely benign (6). 1 of the submissions does not count toward it. Last evaluated 2026-01-30.

Conditions:
Lymphangiomyomatosis (LAM). Also called: Lymphangioleiomyomatosis, somatic; Lymphangioleiomyomatosis. Identifiers: Orphanet 538, MedGen C0751674, MONDO:0011705, OMIM 606690.
Isolated focal cortical dysplasia type II (FCORD2). Also called: CORTICAL DYSPLASIA OF TAYLOR; Focal cortical dysplasia type II. Identifiers: Orphanet 268994, MedGen C1846385, MONDO:0011818, OMIM 607341, HP:0032051.
Tuberous sclerosis 2 (TSC2). Identifiers: Orphanet 805, MedGen C1860707, MONDO:0013199, OMIM 613254.
TSC2-related disorder. Also called: TSC2-Related Disorders; TSC2-related condition.
Hereditary cancer-predisposing syndrome. Also called: Tumor predisposition; Hereditary neoplastic syndrome; Hereditary Cancer Syndrome; Neoplastic Syndromes, Hereditary. Identifiers: Orphanet 140162, MedGen C0027672, MeSH D009386, MONDO:0015356.
Tuberous sclerosis syndrome (TSC). Also called: Tuberous Sclerosis Complex; Tuberous sclerosis. Identifiers: Orphanet 805, MedGen C0041341, MONDO:0001734.

Allele frequency attached by ClinVar (database versions not stated): gnomAD exomes 0.00003 and 0.00007; ExAC 0.00006; TOPMed 0.00006; gnomAD 0.00010 and 0.00011; 1000 Genomes Project 0.00020; ESP Exome Variant Server 0.00023; 1000 Genomes Project 30x 0.00031.
gnomAD v4.1: 52 of 1,612,720 alleles (0.0032%); highest among the groups gnomAD compares: South Asian, 0.021%; no homozygotes.

Submissions (11):

Labcorp Genetics (formerly Invitae), Labcorp
Classification: Benign for Tuberous sclerosis 2. Last evaluated: 2026-01-30. Review status: criteria provided, single submitter. Criteria: Invitae Variant Classification Sherloc (09022015). Collection method: clinical testing. Allele origin: germline.

Myriad Genetics, Inc.
Classification: Benign for Tuberous sclerosis 2. Last evaluated: 2025-06-04. Review status: criteria provided, single submitter. Criteria: Myriad Autosomal Dominant, Autosomal Recessive and X-Linked Classification Criteria (2023). Collection method: clinical testing. Allele origin: unknown.
Comment: This variant is considered benign. This variant is a silent/synonymous amino acid change and it is not expected to impact splicing.

CeGaT Center for Human Genetics Tuebingen
Classification: Likely benign. Last evaluated: 2024-05-01. Review status: criteria provided, single submitter. Criteria: CeGaT Center For Human Genetics Tuebingen Variant Classification Criteria Version 2. Collection method: clinical testing. Allele origin: germline. Affected: yes. Observed: 1 variant allele.
Comment: TSC2: BP4, BP7

Blueprint Genetics
Classification: Likely benign. Last evaluated: 2024-03-21. Review status: criteria provided, single submitter. Criteria: ACMG Guidelines, 2015. Collection method: clinical testing. Allele origin: germline.

All of Us Research Program, National Institutes of Health
Classification: Likely benign for Tuberous sclerosis syndrome. Last evaluated: 2023-11-30. Review status: criteria provided, single submitter. Criteria: ACMG Guidelines, 2015. Collection method: clinical testing. Allele origin: germline. Inheritance: Autosomal dominant inheritance. Observed: 8 variant alleles, 8 heterozygotes.
Comment: This study involves interpretation of variants in research participants for the purpose of population health screening. Participant phenotype was not available at the time of variant classification. Additional details can be found in publication PMID: 35346344, PMCID: PMC8962531

Color Diagnostics, LLC DBA Color Health
Classification: Likely benign for Tuberous sclerosis syndrome. Last evaluated: 2022-11-06. Review status: criteria provided, single submitter. Criteria: ACMG Guidelines, 2015. Collection method: clinical testing. Allele origin: germline.

Fulgent Genetics
Classification: Likely benign for Lymphangiomyomatosis; Isolated focal cortical dysplasia type II; Tuberous sclerosis 2. Last evaluated: 2022-02-01. Review status: criteria provided, single submitter. Criteria: ACMG Guidelines, 2015. Collection method: clinical testing. Allele origin: unknown.

Genome-Nilou Lab
Classification: Benign for Tuberous sclerosis 2. Last evaluated: 2021-11-07. Review status: criteria provided, single submitter. Criteria: ACMG Guidelines, 2015. Collection method: clinical testing. Allele origin: germline. Affected: no.

Sema4
Classification: Benign for Hereditary cancer-predisposing syndrome. Last evaluated: 2020-10-28. Review status: criteria provided, single submitter. Criteria: Sema4 Curation Guidelines. Collection method: curation. Allele origin: germline.

Ambry Genetics
Classification: Likely benign for Hereditary cancer-predisposing syndrome. Last evaluated: 2019-07-25. Review status: criteria provided, single submitter. Criteria: Ambry Variant Classification Scheme 2023. Collection method: clinical testing. Allele origin: germline.

PreventionGenetics, part of Exact Sciences
Classification: Likely benign for TSC2-related condition. Last evaluated: 2022-01-21. Review status: no assertion criteria provided. Collection method: clinical testing. Allele origin: germline. Not counted in ClinVar's aggregate classification.
Comment: This variant is classified as likely benign based on ACMG/AMP sequence variant interpretation guidelines (Richards et al. 2015 PMID: 25741868, with internal and published modifications).